The following is an entry in ClinVar:

ClinVar aggregate classification (germline): Benign/Likely benign. Review status: criteria provided, multiple submitters, no conflicts (2 of 4 stars). 5 submissions from 5 submitters: Benign (1); Likely benign (3). 1 of the submissions does not count toward it. Last evaluated 2026-07-09.

Conditions:
SMARCA4-related disorder. Also called: SMARCA4-related condition.
Hereditary cancer-predisposing syndrome. Also called: Hereditary Cancer Syndrome; Tumor predisposition; Hereditary neoplastic syndrome; Neoplastic Syndromes, Hereditary. Identifiers: Orphanet 140162, MedGen C0027672, MeSH D009386, MONDO:0015356.
Rhabdoid tumor predisposition syndrome 2 (RTPS2). Identifiers: Orphanet 231108, Orphanet 69077, MedGen C2750074, MONDO:0013224, OMIM 613325.

Allele frequency attached by ClinVar (database versions not stated): ESP Exome Variant Server 0.00008; ExAC 0.00005; gnomAD 0.00001; gnomAD exomes 0.00004 and 0.00006; TOPMed 0.00003.
gnomAD v4.1: 83 of 1,610,552 alleles (0.0052%); highest among the groups gnomAD compares: Non-Finnish European, 0.0062%; no homozygotes.

Submissions (5):

Myriad Genetics, Inc.
Classification: Benign for Rhabdoid tumor predisposition syndrome 2. Last evaluated: 2026-07-09. Review status: criteria provided, single submitter. Criteria: Myriad Autosomal Dominant, Autosomal Recessive and X-Linked Classification Criteria (2023). Collection method: clinical testing. Allele origin: unknown.
Comment: This variant is considered benign. This variant is a silent/synonymous amino acid change and it is not expected to impact splicing.

Labcorp Genetics (formerly Invitae), Labcorp
Classification: Likely benign for Rhabdoid tumor predisposition syndrome 2. Last evaluated: 2026-01-28. Review status: criteria provided, single submitter. Criteria: Invitae Variant Classification Sherloc (09022015). Collection method: clinical testing. Allele origin: germline.

Sema4
Classification: Likely benign for Hereditary cancer-predisposing syndrome. Last evaluated: 2021-11-01. Review status: criteria provided, single submitter. Criteria: Sema4 Curation Guidelines. Collection method: curation. Allele origin: germline.

Ambry Genetics
Classification: Likely benign for Hereditary cancer-predisposing syndrome. Last evaluated: 2015-08-05. Review status: criteria provided, single submitter. Criteria: Ambry Variant Classification Scheme 2023. Collection method: clinical testing. Allele origin: germline.

PreventionGenetics, part of Exact Sciences
Classification: Likely benign for SMARCA4-related condition. Last evaluated: 2020-01-08. Review status: no assertion criteria provided. Collection method: clinical testing. Allele origin: germline. Not counted in ClinVar's aggregate classification.
Comment: This variant is classified as likely benign based on ACMG/AMP sequence variant interpretation guidelines (Richards et al. 2015 PMID: 25741868, with internal and published modifications).

NM_003072.5(SMARCA4):c.810C>T (p.Pro270=)

Gene: SMARCA4 (SWI/SNF related BAF chromatin remodeling complex subunit ATPase 4; plus strand). Cytogenetic location: 19p13.2.
Variant type: single nucleotide variant.
Coding change: c.810C>T on transcript NM_003072.5 (MANE Select); coding-DNA position 810, C replaced by T.
Protein change: p.Pro270=; no amino-acid change (proline 270 retained).
Molecular consequence: synonymous variant. On other transcripts: non-coding transcript variant (1).
Genome position (GRCh38, 1-based): chr19:10,986,954, C>T. VCF-style: chr19-10986954-C-T. GRCh37 (hg19) VCF-style: chr19-11097630-C-T.
Other names: c.810C>T, p.Pro270= (NM_001128845.2, NM_001128846.2, NM_001128847.4 and 5 more transcripts).
Identifiers: ClinVar variation 238523 (VCV000238523.20), dbSNP rs375413993, ClinGen allele CA9203586.